The following is an entry in ClinVar:

ClinVar aggregate classification (germline): Uncertain significance (1 of 4 stars; one submission).

Conditions:
Larsen-like syndrome, B3GAT3 type. Also called: MULTIPLE JOINT DISLOCATIONS, SHORT STATURE, AND CRANIOFACIAL DYSMORPHISM WITH OR WITHOUT CONGENITAL HEART DEFECTS; Multiple joint dislocations, short stature, craniofacial dysmorphism, with or without congenital heart defects. Identifiers: Orphanet 284139, MedGen CN034159, MONDO:0009511, OMIM 245600.

Submission:

Labcorp Genetics (formerly Invitae), Labcorp
Classification: Uncertain significance for Larsen-like syndrome, B3GAT3 type. Last evaluated: 2019-06-16. Review status: criteria provided, single submitter. Criteria: Invitae Variant Classification Sherloc (09022015). Collection method: clinical testing. Allele origin: germline.
Comment: This sequence change results in a frameshift in the B3GAT3 gene (p.Pro331Glnfs*37). While this is not anticipated to result in nonsense mediated decay, it is expected to disrupt the last 5 amino acids of the B3GAT3 protein and extend the protein by an additional 32 amino acids. The frequency data for this variant in the population databases is considered unreliable, as metrics indicate poor data quality at this position in the ExAC database. This variant has not been reported in the literature in individuals with B3GAT3-related conditions. In summary, the available evidence is currently insufficient to determine the role of this variant in disease. Therefore, it has been classified as a Variant of Uncertain Significance.

NM_012200.4(B3GAT3):c.992del (p.Pro331fs)

Gene: B3GAT3 (beta-1,3-glucuronyltransferase 3; minus strand). Cytogenetic location: 11q12.3.
Variant type: Deletion.
Coding change: c.992del on transcript NM_012200.4 (MANE Select); coding-DNA position 992, one base deleted (C; older notation c.992delC).
Protein change: p.Pro331fs; shifts the reading frame from proline 331.
Molecular consequence: frameshift variant. On other transcripts: 3 prime UTR variant (2), non-coding transcript variant (1).
Genome position (GRCh38, 1-based): chr11:62,615,717, G deleted on the plus strand (C on the coding strand, the reverse complement: B3GAT3 is on the minus strand); the first of 3 consecutive G bases (chr11:62,615,717-62,615,719); deleting any one gives the same sequence. VCF-style (leftmost placement, unchanged base first): chr11-62615716-TG-T. GRCh37 (hg19) VCF-style: chr11-62383188-TG-T.
Other names: c.971del, p.Pro324fs (NM_001288721.2); c.*469del (NM_001288722.2); c.*485del (NM_001288723.2); short protein forms P324fs, P331fs.
Identifiers: ClinVar variation 936655 (VCV000936655.5), dbSNP rs750535749, ClinGen allele CA6049935.